The following is an entry in ClinVar:

GRCh38/hg38 4q21.22-21.3(chr4:83153673-86405491)x3

Genes: ABRAXAS1 (abraxas 1, BRCA1 A complex subunit; minus strand), ARHGAP24 (Rho GTPase activating protein 24; plus strand), CDS1 (CDP-diacylglycerol synthase 1; plus strand), COQ2 (coenzyme Q2, polyprenyltransferase; minus strand), GPAT3 (glycerol-3-phosphate acyltransferase 3; plus strand) and 51 more. Cytogenetic location: 4q21.22-21.3.
Variant type: copy number gain.
Change: copy number 3 (three copies instead of two) of chr4:83,153,673-86,405,491 (3.25 Mb, GRCh38 coordinates, 1-based), cytogenetic band 4q21.22-21.3.
Identifiers: ClinVar variation 5038329 (VCV005038329.1).

ClinVar aggregate classification (germline): Uncertain significance (1 of 4 stars; one submission).

Submission:

Clinical Genomics Laboratory, Laboratory for Precision Diagnostics, University of Washington
Classification: Uncertain significance. Last evaluated: 2025-02-07. Review status: criteria provided, single submitter. Criteria: ACMG/ClinGen CNV Guidelines, 2019. Collection method: clinical testing. Allele origin: unknown. Affected: yes. Observed: 1 variant allele.
Comment: These three interstitial duplications are each separated by a region of typical two copies. Previous studies have shown that rings can be composed of discontinuous chromosomal regions (PMID: 7485165). The most proximal of the duplications is immediately next to the centromere of chromosome 4. These duplications may form a complex ring chromosome of chromosome 4 that includes a centromere. However, this test cannot determine genomic structure. This duplication is approximately 3.25 Mb in size and affects 11 protein-coding genes. None of the genes in this region are known to cause medical problems in humans when an extra copy is present (triplosensitivity), and this is not a known triplosensitive genomic region. No similar duplications are found in public databases of copy number variants found in healthy control groups or in people who had clinical testing. No people with similar duplications have been published in the medical literature. PMID: 26625664 reported a de novo 778 kb duplication of 4q21.22q21.23 ([GRCh38] chr4:83114812-83892391), which is fully contained within the one found in this person, in a person with myoclonic astatic epilepsy.

Literature cited by the submitters: PubMed 26625664.